The following is an entry in ClinVar:

ClinVar aggregate classification (germline): Uncertain significance (1 of 4 stars; one submission).

Conditions:
Aortic aneurysm, familial thoracic 8 (AAT8). Identifiers: MedGen C3809513, MONDO:0014187, OMIM 615436.

gnomAD v4.1: 2 of 1,580,544 alleles (0.00013%); highest among the groups gnomAD compares: Non-Finnish European, 0.00017%; no homozygotes.

Submission:

Labcorp Genetics (formerly Invitae), Labcorp
Classification: Uncertain significance for Aortic aneurysm, familial thoracic 8. Last evaluated: 2025-03-01. Review status: criteria provided, single submitter. Criteria: Invitae Variant Classification Sherloc (09022015). Collection method: clinical testing. Allele origin: germline.
Comment: This sequence change falls in intron 7 of the PRKG1 gene. It does not directly change the encoded amino acid sequence of the PRKG1 protein. It affects a nucleotide within the consensus splice site. This variant is not present in population databases (gnomAD no frequency). This variant has not been reported in the literature in individuals affected with PRKG1-related conditions. Variants that disrupt the consensus splice site are a relatively common cause of aberrant splicing (PMID: 17576681, 9536098). Algorithms developed to predict the effect of sequence changes on RNA splicing suggest that this variant is not likely to affect RNA splicing. In summary, the available evidence is currently insufficient to determine the role of this variant in disease. Therefore, it has been classified as a Variant of Uncertain Significance.

Literature cited by the submitters: PubMed 17576681; PubMed 9536098.

NM_006258.4(PRKG1):c.935+6T>C

Gene: PRKG1 (protein kinase cGMP-dependent 1; plus strand). Cytogenetic location: 10q21.1.
Variant type: single nucleotide variant.
Coding change: c.935+6T>C on transcript NM_006258.4 (MANE Select); 6 bases into the intron after coding-DNA position 935, T replaced by C.
Molecular consequence: intron variant. On other transcripts: 3 prime UTR variant (1).
Genome position (GRCh38, 1-based): chr10:52,062,637, T>C. VCF-style: chr10-52062637-T-C. GRCh37 (hg19) VCF-style: chr10-53822397-T-C.
Other names: c.*2T>C (NM_001374782.1); c.890+6T>C (NM_001098512.3); c.-275+6T>C (NM_001374781.1).
Identifiers: ClinVar variation 3697687 (VCV003697687.2).